The following is an entry in ClinVar:

ClinVar aggregate classification (germline): Likely pathogenic (1 of 4 stars; one submission).

Conditions:
Developmental and epileptic encephalopathy, 9 (DEE9). Also called: Early infantile epileptic encephalopathy 9; JUBERG-HELLMAN SYNDROME; PCDH19-Related X-Linked Female-Limited Epilepsy with Mental Retardation; EPILEPSY, FEMALE-RESTRICTED, WITH MENTAL RETARDATION. Identifiers: Orphanet 101039, Orphanet 2076, MedGen C1848137, MONDO:0010246, OMIM 300088. Disease mechanism: loss of function.

Submission:

Labcorp Genetics (formerly Invitae), Labcorp
Classification: Likely pathogenic for Developmental and epileptic encephalopathy, 9. Last evaluated: 2020-12-08. Review status: criteria provided, single submitter. Criteria: Invitae Variant Classification Sherloc (09022015). Collection method: clinical testing. Allele origin: germline.
Comment: This variant disrupts the p.Asp124 amino acid residue in PCDH19. Other variant(s) that disrupt this residue have been determined to be pathogenic (PMID: 31302675, 29377098, 29655203). This suggests that this residue is clinically significant, and that variants that disrupt this residue are likely to be disease-causing. In summary, the currently available evidence indicates that the variant is pathogenic, but additional data are needed to prove that conclusively. Therefore, this variant has been classified as Likely Pathogenic. Advanced modeling of protein sequence and biophysical properties (such as structural, functional, and spatial information, amino acid conservation, physicochemical variation, residue mobility, and thermodynamic stability) performed at Invitae indicates that this missense variant is expected to disrupt PCDH19 protein function. This variant has been observed in individual(s) with PCDH19-related conditions (Invitae). This variant is not present in population databases (ExAC no frequency). This sequence change replaces aspartic acid with alanine at codon 124 of the PCDH19 protein (p.Asp124Ala). The aspartic acid residue is highly conserved and there is a moderate physicochemical difference between aspartic acid and alanine.

Literature cited by the submitters: PubMed 31302675; PubMed 29377098; PubMed 29655203.

NM_001184880.2(PCDH19):c.371A>C (p.Asp124Ala)

Gene: PCDH19 (protocadherin 19; minus strand). Cytogenetic location: Xq22.1.
Variant type: single nucleotide variant.
Coding change: c.371A>C on transcript NM_001184880.2 (MANE Select); coding-DNA position 371, A replaced by C.
Protein change: p.Asp124Ala; replaces aspartic acid 124 with alanine.
Molecular consequence: missense variant.
Genome position (GRCh38, 1-based): chrX:100,408,227, T>G on the plus strand (A>C on the coding strand, the complement: PCDH19 is on the minus strand). VCF-style: chrX-100408227-T-G. GRCh37 (hg19) VCF-style: chrX-99663225-T-G.
Other names: c.371A>C, p.Asp124Ala (NM_001105243.2, NM_020766.3); short protein forms D124A.
Identifiers: ClinVar variation 1067596 (VCV001067596.9), dbSNP rs2147542056, ClinGen allele CA414010270.